The following is an entry in ClinVar:

NM_016642.4(SPTBN5):c.6685C>T (p.Arg2229Trp)

Gene: SPTBN5 (spectrin beta, non-erythrocytic 5; minus strand). Cytogenetic location: 15q15.1.
Variant type: single nucleotide variant.
Coding change: c.6685C>T on transcript NM_016642.4 (MANE Select); coding-DNA position 6685, C replaced by T.
Protein change: p.Arg2229Trp; replaces arginine 2229 with tryptophan.
Molecular consequence: missense variant.
Genome position (GRCh38, 1-based): chr15:41,866,175, G>A on the plus strand (C>T on the coding strand, the complement: SPTBN5 is on the minus strand). VCF-style: chr15-41866175-G-A. GRCh37 (hg19) VCF-style: chr15-42158373-G-A.
Other names: short protein forms R2229W.
Identifiers: ClinVar variation 1244622 (VCV001244622.5), dbSNP rs56198158, ClinGen allele CA7502507.
Genomic context (GRCh38, chr15:41,866,175, plus strand): 5'-GGCCCCTGAGGGCCATTGCCTGCCTCAGGTCCTCCCAGTGCTTCCGCAGGCCCTGCAGCC[G>A]CTGGGAGACCTCTCCGGCTCGAGGGTGACTCTGTGCCAGGAGAGCCTCTCCCTTCTGGAG-3'
Protein context (NP_057726.4, residues 2219-2239): SHPRAGEVSQ[Arg2229Trp]LQGLRKHWED

ClinVar aggregate classification (germline): Benign. Review status: criteria provided, multiple submitters, no conflicts (2 of 4 stars). 3 submissions from 3 submitters: Benign (2). 1 of the submissions does not count toward it. Last evaluated 2018-09-04.

Conditions:
SPTBN5-related disorder. Also called: SPTBN5-related condition.

Allele frequency attached by ClinVar (database versions not stated): 1000 Genomes Project 30x 0.01765; 1000 Genomes Project 0.01817; TOPMed 0.03559; gnomAD 0.03904 and 0.04027; gnomAD exomes 0.04051; ESP Exome Variant Server 0.04144; ExAC 0.08327.
gnomAD v4.1: 81,989 of 1,571,970 alleles (5.2%); highest among the groups gnomAD compares: Non-Finnish European, 6.1%; 2,419 homozygotes.

Submissions (3):

GeneDx
Classification: Benign. Last evaluated: 2018-09-04. Review status: criteria provided, single submitter. Criteria: GeneDx Variant Classification Process June 2021. Collection method: clinical testing. Allele origin: germline. Affected: yes.

Breakthrough Genomics
Classification: Benign. Review status: criteria provided, single submitter. Criteria: ACMG Guidelines, 2015. Collection method: not provided. Allele origin: germline. Inheritance: Unknown mechanism. Affected: yes.

PreventionGenetics, part of Exact Sciences
Classification: Benign for SPTBN5-related condition. Last evaluated: 2019-09-24. Review status: no assertion criteria provided. Collection method: clinical testing. Allele origin: germline. Not counted in ClinVar's aggregate classification.
Comment: This variant is classified as benign based on ACMG/AMP sequence variant interpretation guidelines (Richards et al. 2015 PMID: 25741868, with internal and published modifications).